The following is an entry in ClinVar:

ClinVar aggregate classification (germline): Pathogenic (1 of 4 stars; one submission).

Conditions:
Congenital contractural arachnodactyly (CCA). Also called: Beals-Hecht syndrome; BEALS SYNDROME; Arthrogryposis, distal, type 9. Identifiers: Orphanet 115, MedGen C0220668, MONDO:0007363, OMIM 121050.

Submission:

Labcorp Genetics (formerly Invitae), Labcorp
Classification: Pathogenic for Congenital contractural arachnodactyly. Last evaluated: 2019-05-13. Review status: criteria provided, single submitter. Criteria: Invitae Variant Classification Sherloc (09022015). Collection method: clinical testing. Allele origin: germline.
Comment: This variant affects cysteine residues located within an epidermal growth factor (EGF)‚Äìlike domain of the FBN2 protein. Cysteine residues in these domains are involved in the formation of disulfide bridges critical for protein structure and stability (PMID: 3495735, 4750422, 16677079). In addition, missense substitutions within the FBN2 EGF-like domains affecting cysteine residues are overrepresented in patients with congenital contractural arachnodactyly (PMID: 18767143). For these reasons, this variant has been classified as Pathogenic. This variant has been observed in individuals with clinical features of FBN2-related conditions (Invitae). This variant is an in-frame deletion of the genomic region encompassing exons 33-34 of the FBN2 gene. It preserves the integrity of the reading frame.

Literature cited by the submitters: PubMed 3495735; PubMed 4750422; PubMed 16677079; PubMed 18767143.

NC_000005.10:g.(?_128328686)_(128330705_?)del

Gene: FBN2 (fibrillin 2; minus strand). Cytogenetic location: 5q23.3.
Variant type: Deletion.
Identifiers: ClinVar variation 655237 (VCV000655237.10).